The following is an entry in ClinVar:

NM_003560.4(PLA2G6):c.1048G>A (p.Gly350Ser)

Gene: PLA2G6 (phospholipase A2 group VI; minus strand). Cytogenetic location: 22q13.1.
Variant type: single nucleotide variant.
Coding change: c.1048G>A on transcript NM_003560.4 (MANE Select); coding-DNA position 1048, G replaced by A.
Protein change: p.Gly350Ser; replaces glycine 350 with serine.
Molecular consequence: missense variant.
Genome position (GRCh38, 1-based): chr22:38,132,860, C>T on the plus strand (G>A on the coding strand, the complement: PLA2G6 is on the minus strand). VCF-style: chr22-38132860-C-T. GRCh37 (hg19) VCF-style: chr22-38528867-C-T.
Other names: c.1048G>A, p.Gly350Ser (NM_001004426.3, NM_001199562.3, NM_001349864.2 and 2 more transcripts); c.514G>A, p.Gly172Ser (NM_001349867.2, NM_001349869.2); c.370G>A, p.Gly124Ser (NM_001349868.2); c.1048G>A (NM_003560.2); short protein forms G124S, G350S, G172S.
Identifiers: ClinVar variation 1435432 (VCV001435432.6), dbSNP rs1213674178, ClinGen allele CA411530667.

ClinVar aggregate classification (germline): Uncertain significance. Review status: criteria provided, multiple submitters, no conflicts (2 of 4 stars). 2 submissions from 2 submitters: Uncertain significance (2). Last evaluated 2025-09-26.

Conditions:
Inborn genetic diseases. Identifiers: MedGen C0950123, MeSH D030342.
Infantile neuroaxonal dystrophy (NBIA2A). Also called: NEURODEGENERATION WITH BRAIN IRON ACCUMULATION 2A; SEITELBERGER DISEASE; Infantile neuroaxonal dystrophy 1. Identifiers: Orphanet 35069, MedGen C0270724, MONDO:0024457, OMIM 256600.

Allele frequency attached by ClinVar (database versions not stated): gnomAD 0.00001; TOPMed 0.00005; gnomAD exomes 0.00001.
gnomAD v4.1: 8 of 1,550,972 alleles (0.00052%); highest among the groups gnomAD compares: Non-Finnish European, 0.0007%; no homozygotes.

Submissions (2):

Ambry Genetics
Classification: Uncertain significance for Inborn genetic diseases. Last evaluated: 2025-09-26. Review status: criteria provided, single submitter. Criteria: Ambry Variant Classification Scheme 2023. Collection method: clinical testing. Allele origin: germline.

Labcorp Genetics (formerly Invitae), Labcorp
Classification: Uncertain significance for Infantile neuroaxonal dystrophy. Last evaluated: 2021-08-28. Review status: criteria provided, single submitter. Criteria: Invitae Variant Classification Sherloc (09022015). Collection method: clinical testing. Allele origin: germline.
Comment: This sequence change replaces glycine with serine at codon 350 of the PLA2G6 protein (p.Gly350Ser). The glycine residue is highly conserved and there is a small physicochemical difference between glycine and serine. This variant is not present in population databases (ExAC no frequency). This variant has not been reported in the literature in individuals affected with PLA2G6-related conditions. Algorithms developed to predict the effect of missense changes on protein structure and function output the following: SIFT: "Deleterious"; PolyPhen-2: "Possibly Damaging"; Align-GVGD: "Class C55". The serine amino acid residue is found in multiple mammalian species, which suggests that this missense change does not adversely affect protein function. In summary, the available evidence is currently insufficient to determine the role of this variant in disease. Therefore, it has been classified as a Variant of Uncertain Significance.